The following is an entry in ClinVar:

NM_005208.5(CRYBA1):c.626C>T (p.Ser209Leu)

Gene: CRYBA1 (crystallin beta A1; plus strand). Cytogenetic location: 17q11.2.
Variant type: single nucleotide variant.
Coding change: c.626C>T on transcript NM_005208.5 (MANE Select); coding-DNA position 626, C replaced by T.
Protein change: p.Ser209Leu; replaces serine 209 with leucine.
Molecular consequence: missense variant.
Genome position (GRCh38, 1-based): chr17:29,254,327, C>T. VCF-style: chr17-29254327-C-T. GRCh37 (hg19) VCF-style: chr17-27581345-C-T.
Other names: short protein forms S209L.
Identifiers: ClinVar variation 4999501 (VCV004999501.1).
Genomic context (GRCh38, chr17:29,254,327, plus strand): 5'-GAGGAGACTATAAACATTGGAGAGAGTGGGGCTCTCATGCCCAGACTTCGCAGATCCAAT[C>T]GATTCGCCGAATCCAACAGTAGCTGATTAAAAGCTCCAAGTACGATAATTCCTCAAGCAT-3'
Protein context (NP_005199.2, residues 199-215): GSHAQTSQIQ[Ser209Leu]IRRIQQ

ClinVar aggregate classification (germline): Uncertain significance (1 of 4 stars; one submission).

Conditions:
CRYBA1-related disorder. Also called: CRYBA1-related condition.

Submission:

PreventionGenetics, part of Exact Sciences
Classification: Uncertain significance for CRYBA1-related condition. Last evaluated: 2024-11-27. Review status: criteria provided, single submitter. Criteria: ACMG Guidelines, 2015. Collection method: clinical testing. Allele origin: germline.
Comment: The CRYBA1 c.626C>T variant is predicted to result in the amino acid substitution p.Ser209Leu. To our knowledge, this variant has not been reported in the literature or in a large population database (gnomAD), indicating this variant is rare. Of note another variant impacting the same amino acid (p.Ser209Trp) has been documented in patients with congenital cataracts (Gillespie et al. 2014. PubMed ID: 25148791; Liu et al. 2023. PubMed ID: 37337769). At this time, the clinical significance of the c.626C>T (p.Ser209Leu) variant is uncertain due to the absence of conclusive functional and genetic evidence.